The following is an entry in ClinVar:

ClinVar aggregate classification (germline): Uncertain significance (1 of 4 stars; one submission).

Submission:

GeneDx
Classification: Uncertain significance. Last evaluated: 2025-07-09. Review status: criteria provided, single submitter. Criteria: GeneDx Variant Classification Process June 2021. Collection method: clinical testing. Allele origin: germline. Affected: yes.
Comment: Not observed at significant frequency in large population cohorts (gnomAD); In silico analysis suggests that this missense variant does not alter protein structure/function; Has not been previously published as pathogenic or benign to our knowledge

NM_152743.4(BRAT1):c.2247G>C (p.Glu749Asp)

Gene: BRAT1 (BRCA1 associated ATM activator 1; minus strand). Cytogenetic location: 7p22.3.
Variant type: single nucleotide variant.
Coding change: c.2247G>C on transcript NM_152743.4 (MANE Select); coding-DNA position 2247, G replaced by C.
Protein change: p.Glu749Asp; replaces glutamic acid 749 with aspartic acid.
Molecular consequence: missense variant. On other transcripts: non-coding transcript variant (1).
Genome position (GRCh38, 1-based): chr7:2,538,288, C>G on the plus strand (G>C on the coding strand, the complement: BRAT1 is on the minus strand). VCF-style: chr7-2538288-C-G. GRCh37 (hg19) VCF-style: chr7-2577922-C-G.
Other names: c.2427G>C, p.Glu809Asp (NM_001350626.2); c.1722G>C, p.Glu574Asp (NM_001350627.2); short protein forms E574D, E749D, E809D.
Identifiers: ClinVar variation 4685270 (VCV004685270.1).